The following is an entry in ClinVar:

NM_000245.4(MET):c.3162C>A (p.Asp1054Glu)

Gene: MET (MET proto-oncogene, receptor tyrosine kinase; plus strand). Cytogenetic location: 7q31.2.
Variant type: single nucleotide variant.
Coding change: c.3162C>A on transcript NM_000245.4 (MANE Select); coding-DNA position 3162, C replaced by A.
Protein change: p.Asp1054Glu; replaces aspartic acid 1054 with glutamic acid.
Molecular consequence: missense variant.
Genome position (GRCh38, 1-based): chr7:116,775,014, C>A. VCF-style: chr7-116775014-C-A. GRCh37 (hg19) VCF-style: chr7-116415068-C-A.
Other names: c.3216C>A, p.Asp1072Glu (NM_001127500.3); c.1872C>A, p.Asp624Glu (NM_001324402.2); short protein forms D1072E, D624E, D1054E.
Identifiers: ClinVar variation 1928294 (VCV001928294.4), dbSNP rs1166344170, ClinGen allele CA368988415.
Genomic context (GRCh38, chr7:116,775,014, plus strand): 5'-CCTAACTAGTGGGGACTCTGATATATCCAGTCCATTACTGCAAAATACTGTCCACATTGA[C>A]CTCAGTGCTCTAAATCCAGAGCTGGTCCAGGCAGTGCAGCATGTAGTGATTGGGCCCAGT-3'
Protein context (NP_000236.2, residues 1044-1064): SPLLQNTVHI[Asp1054Glu]LSALNPELVQ

ClinVar aggregate classification (germline): Uncertain significance (1 of 4 stars; one submission).

Conditions:
Renal cell carcinoma. Identifiers: Orphanet 217071, MedGen C0007134, MeSH D002292, MONDO:0005086, HP:0005584.

Allele frequency attached by ClinVar (database versions not stated): gnomAD exomes below 0.00001.
gnomAD v4.1: 5 of 1,614,210 alleles (0.00031%); highest among the groups gnomAD compares: Non-Finnish European, 0.00042%; no homozygotes.

Submission:

Labcorp Genetics (formerly Invitae), Labcorp
Classification: Uncertain significance for Renal cell carcinoma. Last evaluated: 2022-06-13. Review status: criteria provided, single submitter. Criteria: Invitae Variant Classification Sherloc (09022015). Collection method: clinical testing. Allele origin: germline.
Comment: In summary, the available evidence is currently insufficient to determine the role of this variant in disease. Therefore, it has been classified as a Variant of Uncertain Significance. Algorithms developed to predict the effect of missense changes on protein structure and function are either unavailable or do not agree on the potential impact of this missense change (SIFT: "Deleterious"; PolyPhen-2: "Probably Damaging"; Align-GVGD: "Class C0"). This variant has not been reported in the literature in individuals affected with MET-related conditions. This variant is present in population databases (no rsID available, gnomAD 0.0009%). This sequence change replaces aspartic acid, which is acidic and polar, with glutamic acid, which is acidic and polar, at codon 1072 of the MET protein (p.Asp1072Glu).